The following is an entry in ClinVar:

ClinVar aggregate classification (germline): Likely pathogenic (1 of 4 stars; one submission).

Conditions:
Pyruvate carboxylase deficiency. Also called: ATAXIA WITH LACTIC ACIDOSIS II; LEIGH NECROTIZING ENCEPHALOPATHY DUE TO PYRUVATE CARBOXYLASE DEFICIENCY; LEIGH SYNDROME DUE TO PYRUVATE CARBOXYLASE DEFICIENCY; PC DEFICIENCY; Pyruvate Carboxylase Deficiency Disease. Identifiers: Orphanet 3008, MedGen C0034341, MONDO:0009949, OMIM 266150.

Submission:

Myriad Genetics, Inc.
Classification: Likely pathogenic for Pyruvate carboxylase deficiency. Last evaluated: 2022-01-02. Review status: criteria provided, single submitter. Criteria: Myriad Women's Health Autosomal Recessive and X-Linked Classification Criteria (2021). Collection method: clinical testing. Allele origin: unknown.
Comment: NM_000920.3(PC):c.1621_1623delTTCinsAT(F541Ifs*25) is expected to be pathogenic in the context of pyruvate carboxylase deficiency. This variant is predicted to lead to an abnormal or absent protein product due to the creation of a premature termination codon in PC, a gene where loss-of-function variants are known to be pathogenic. Please note: this variant was assessed in the context of healthy population screening.

NM_001040716.2(PC):c.1621_1623delinsAT (p.Phe541fs)

Gene: PC (pyruvate carboxylase; minus strand). Cytogenetic location: 11q13.2.
Variant type: Indel.
Coding change: c.1621_1623delinsAT on transcript NM_001040716.2 (MANE Select); coding-DNA positions 1621 to 1623, TTC replaced by AT.
Protein change: p.Phe541fs; shifts the reading frame from phenylalanine 541.
Molecular consequence: frameshift variant.
Genome position (GRCh38, 1-based): chr11:66,852,641-66,852,643, GAA replaced by AT on the plus strand (TTC replaced by AT on the coding strand, the reverse complement: PC is on the minus strand). VCF-style: chr11-66852641-GAA-AT. GRCh37 (hg19) VCF-style: chr11-66620112-GAA-AT.
Other names: c.1621_1623delinsAT, p.Phe541fs (NM_000920.4, NM_022172.3); short protein forms F541fs.
Identifiers: ClinVar variation 1726878 (VCV001726878.2), dbSNP rs2495490951, ClinGen allele CA2580084614.